The following is an entry in ClinVar:

NM_001365480.1(CCDC88A):c.5092A>C (p.Ile1698Leu)

Gene: CCDC88A (coiled-coil domain containing 88A; minus strand). Cytogenetic location: 2p16.1.
Variant type: single nucleotide variant.
Coding change: c.5092A>C on transcript NM_001365480.1 (MANE Select); coding-DNA position 5092, A replaced by C.
Protein change: p.Ile1698Leu; replaces isoleucine 1698 with leucine.
Molecular consequence: missense variant.
Genome position (GRCh38, 1-based): chr2:55,296,056, T>G on the plus strand (A>C on the coding strand, the complement: CCDC88A is on the minus strand). VCF-style: chr2-55296056-T-G. GRCh37 (hg19) VCF-style: chr2-55523192-T-G.
Other names: c.5089A>C, p.Ile1697Leu (NM_001135597.2, NM_001254943.2); c.5008A>C, p.Ile1670Leu (NM_018084.5); short protein forms I1697L, I1698L, I1670L.
Identifiers: ClinVar variation 1471547 (VCV001471547.5), dbSNP rs1679990924, ClinGen allele CA346912229.
Genomic context (GRCh38, chr2:55,296,056, plus strand): 5'-AAGAGACAGACAAACTTTTCATTACTTCATCTAAAAGATTCTCTTGACTTGAGGACTTTA[T>G]CTGTTTAAAAAAAAATTCAAAGCAGATTAGTGAATATAGTGCCATGTTTTTACTTTCCTG-3'
Protein context (NP_001352409.1, residues 1688-1708): EESNKLTSVQ[Ile1698Leu]KSSSQENLLD

ClinVar aggregate classification (germline): Uncertain significance (1 of 4 stars; one submission).

Submission:

Labcorp Genetics (formerly Invitae), Labcorp
Classification: Uncertain significance. Last evaluated: 2021-08-24. Review status: criteria provided, single submitter. Criteria: Invitae Variant Classification Sherloc (09022015). Collection method: clinical testing. Allele origin: germline.
Comment: This sequence change replaces isoleucine with leucine at codon 1697 of the CCDC88A protein (p.Ile1697Leu). The isoleucine residue is weakly conserved and there is a small physicochemical difference between isoleucine and leucine. This variant is not present in population databases (ExAC no frequency). This variant has not been reported in the literature in individuals affected with CCDC88A-related conditions. Algorithms developed to predict the effect of missense changes on protein structure and function output the following: SIFT: "Tolerated"; PolyPhen-2: "Benign"; Align-GVGD: "Class C0". The leucine amino acid residue is found in multiple mammalian species, which suggests that this missense change does not adversely affect protein function. In summary, the available evidence is currently insufficient to determine the role of this variant in disease. Therefore, it has been classified as a Variant of Uncertain Significance.